The following is an entry in ClinVar:

NM_000264.5(PTCH1):c.3383A>T (p.Asp1128Val)

Gene: PTCH1 (patched 1; minus strand). Cytogenetic location: 9q22.32.
Variant type: single nucleotide variant.
Coding change: c.3383A>T on transcript NM_000264.5 (MANE Select); coding-DNA position 3383, A replaced by T.
Protein change: p.Asp1128Val; replaces aspartic acid 1128 with valine.
Molecular consequence: missense variant. On other transcripts: non-coding transcript variant (1).
Genome position (GRCh38, 1-based): chr9:95,453,544, T>A on the plus strand (A>T on the coding strand, the complement: PTCH1 is on the minus strand). VCF-style: chr9-95453544-T-A. GRCh37 (hg19) VCF-style: chr9-98215826-T-A.
Other names: c.3185A>T, p.Asp1062Val (NM_001083602.3); c.3380A>T, p.Asp1127Val (NM_001083603.3); c.2930A>T, p.Asp977Val (NM_001083604.3, NM_001083605.3, NM_001083606.3 and 1 more transcripts); c.3227A>T, p.Asp1076Val (NM_001354918.2); short protein forms D1076V, D1062V, D1127V, D1128V, D977V.
Identifiers: ClinVar variation 3784615 (VCV003784615.1).

ClinVar aggregate classification (germline): Uncertain significance (1 of 4 stars; one submission).

Conditions:
Hereditary cancer-predisposing syndrome. Also called: Neoplastic Syndromes, Hereditary; Hereditary Cancer Syndrome; Tumor predisposition; Hereditary neoplastic syndrome. Identifiers: Orphanet 140162, MedGen C0027672, MeSH D009386, MONDO:0015356.

Submission:

Ambry Genetics
Classification: Uncertain significance for Hereditary cancer-predisposing syndrome. Last evaluated: 2024-12-20. Review status: criteria provided, single submitter. Criteria: Ambry Variant Classification Scheme 2023. Collection method: clinical testing. Allele origin: germline.
Comment: The p.D1128V variant (also known as c.3383A>T), located in coding exon 20 of the PTCH1 gene, results from an A to T substitution at nucleotide position 3383. The aspartic acid at codon 1128 is replaced by valine, an amino acid with highly dissimilar properties. This amino acid position is conserved. In addition, this alteration is predicted to be deleterious by in silico analysis. Based on the available evidence, the clinical significance of this variant remains unclear.